The following is an entry in ClinVar:

NM_024537.4(CARS2):c.1192_1193del (p.Arg398fs)

Gene: CARS2 (cysteinyl-tRNA synthetase 2, mitochondrial; minus strand). Cytogenetic location: 13q34.
Variant type: Microsatellite.
Coding change: c.1192_1193del on transcript NM_024537.4 (MANE Select); coding-DNA positions 1192 to 1193, 2 bases deleted (AG; older notation c.1192_1193delAG).
Protein change: p.Arg398fs; shifts the reading frame from arginine 398.
Molecular consequence: frameshift variant. On other transcripts: non-coding transcript variant (2).
Genome position (GRCh38, 1-based): chr13:110,647,101-110,647,102, CT deleted on the plus strand (AG on the coding strand, the reverse complement: CARS2 is on the minus strand); deleting any 2 consecutive bases within chr13:110,647,101-110,647,105 gives the same sequence; the c. name uses the placement nearest the transcript's 3' end. VCF-style (leftmost placement, unchanged base first): chr13-110647100-CCT-C. GRCh37 (hg19) VCF-style: chr13-111299447-CCT-C.
Other names: c.406_407del, p.Arg136fs (NM_001352252.2); short protein forms R398fs, R136fs.
Identifiers: ClinVar variation 2112527 (VCV002112527.4), dbSNP rs1888235157, ClinGen allele CA2118963309.

ClinVar aggregate classification (germline): Uncertain significance (1 of 4 stars; one submission).

Conditions:
Combined oxidative phosphorylation defect type 27. Also called: Combined oxidative phosphorylation deficiency 27. Identifiers: Orphanet 477774, MedGen C5567608, MONDO:0014728, OMIM 616672.

Submission:

Labcorp Genetics (formerly Invitae), Labcorp
Classification: Uncertain significance for Combined oxidative phosphorylation defect type 27. Last evaluated: 2022-03-15. Review status: criteria provided, single submitter. Criteria: Invitae Variant Classification Sherloc (09022015). Collection method: clinical testing. Allele origin: germline.
Comment: In summary, the available evidence is currently insufficient to determine the role of this variant in disease. Therefore, it has been classified as a Variant of Uncertain Significance. Algorithms developed to predict the effect of sequence changes on RNA splicing suggest that this variant may disrupt the consensus splice site. This variant has not been reported in the literature in individuals affected with CARS2-related conditions. This variant is not present in population databases (gnomAD no frequency). This sequence change creates a premature translational stop signal (p.Arg398Alafs*15) in the CARS2 gene. It is expected to result in an absent or disrupted protein product. However, the current clinical and genetic evidence is not sufficient to establish whether loss-of-function variants in CARS2 cause disease.